The following is an entry in ClinVar:

ClinVar aggregate classification (germline): Uncertain significance (1 of 4 stars; one submission).

Conditions:
Familial cancer of breast. Also called: Hereditary breast cancer; BREAST CANCER, FAMILIAL; hereditary breast carcinoma. Identifiers: Orphanet 227535, MedGen C0346153, MONDO:0016419, OMIM 114480. Disease mechanism: loss of function.

Submission:

Labcorp Genetics (formerly Invitae), Labcorp
Classification: Uncertain significance for Familial cancer of breast. Last evaluated: 2024-10-27. Review status: criteria provided, single submitter. Criteria: Invitae Variant Classification Sherloc (09022015). Collection method: clinical testing. Allele origin: germline.
Comment: This sequence change replaces cysteine, which is neutral and slightly polar, with tryptophan, which is neutral and slightly polar, at codon 74 of the BARD1 protein (p.Cys74Trp). This variant is not present in population databases (gnomAD no frequency). This variant has not been reported in the literature in individuals affected with BARD1-related conditions. An algorithm developed to predict the effect of missense changes on protein structure and function (PolyPhen-2) suggests that this variant is likely to be disruptive. In summary, the available evidence is currently insufficient to determine the role of this variant in disease. Therefore, it has been classified as a Variant of Uncertain Significance.

NM_000465.4(BARD1):c.222T>G (p.Cys74Trp)

Gene: BARD1 (BRCA1 associated RING domain 1; minus strand). Cytogenetic location: 2q35.
Variant type: single nucleotide variant.
Coding change: c.222T>G on transcript NM_000465.4 (MANE Select); coding-DNA position 222, T replaced by G.
Protein change: p.Cys74Trp; replaces cysteine 74 with tryptophan.
Molecular consequence: missense variant. On other transcripts: non-coding transcript variant (1), intron variant (2).
Genome position (GRCh38, 1-based): chr2:214,792,439, A>C on the plus strand (T>G on the coding strand, the complement: BARD1 is on the minus strand). VCF-style: chr2-214792439-A-C. GRCh37 (hg19) VCF-style: chr2-215657163-A-C.
Other names: c.165T>G, p.Cys55Trp (NM_001282543.2); c.222T>G, p.Cys74Trp (NM_001282549.2); c.158+16973T>G (NM_001282548.2); c.215+4622T>G (NM_001282545.2); short protein forms C55W, C74W.
Identifiers: ClinVar variation 3723835 (VCV003723835.2).